The following is an entry in ClinVar:

NM_000051.4(ATM):c.3905G>T (p.Gly1302Val)

Gene: ATM (ATM serine/threonine kinase; plus strand). Cytogenetic location: 11q22.3.
Variant type: single nucleotide variant.
Coding change: c.3905G>T on transcript NM_000051.4 (MANE Select); coding-DNA position 3905, G replaced by T.
Protein change: p.Gly1302Val; replaces glycine 1302 with valine.
Molecular consequence: missense variant.
Genome position (GRCh38, 1-based): chr11:108,284,385, G>T. VCF-style: chr11-108284385-G-T. GRCh37 (hg19) VCF-style: chr11-108155112-G-T.
Other names: c.3905G>T, p.Gly1302Val (NM_001351834.2); short protein forms G1302V.
Identifiers: ClinVar variation 1388469 (VCV001388469.6), dbSNP rs761673223, ClinGen allele CA6265363.

ClinVar aggregate classification (germline): Uncertain significance (1 of 4 stars; one submission).

Conditions:
Ataxia-telangiectasia syndrome (AT). Also called: Ataxia-telangiectasia, complementation group D; Ataxia telangiectasia (A-T); Cerebello-oculocutaneous telangiectasia; Immunodeficiency with ataxia telangiectasia; ATAXIA-TELANGIECTASIA, COMPLEMENTATION GROUP A; ATAXIA-TELANGIECTASIA, FRESNO VARIANT. Identifiers: Orphanet 100, MedGen C0004135, MONDO:0008840, OMIM 208900.

Allele frequency attached by ClinVar (database versions not stated): gnomAD exomes below 0.00001; ExAC 0.00001.
gnomAD v4.1: 2 of 1,613,876 alleles (0.00012%); highest among the groups gnomAD compares: South Asian, 0.0011%; no homozygotes.

Submission:

Labcorp Genetics (formerly Invitae), Labcorp
Classification: Uncertain significance for Ataxia-telangiectasia syndrome. Last evaluated: 2023-01-13. Review status: criteria provided, single submitter. Criteria: Invitae Variant Classification Sherloc (09022015). Collection method: clinical testing. Allele origin: germline.
Comment: In summary, the available evidence is currently insufficient to determine the role of this variant in disease. Therefore, it has been classified as a Variant of Uncertain Significance. Algorithms developed to predict the effect of missense changes on protein structure and function (SIFT, PolyPhen-2, Align-GVGD) all suggest that this variant is likely to be tolerated. ClinVar contains an entry for this variant (Variation ID: 1388469). This variant has not been reported in the literature in individuals affected with ATM-related conditions. This variant is not present in population databases (gnomAD no frequency). This sequence change replaces glycine, which is neutral and non-polar, with valine, which is neutral and non-polar, at codon 1302 of the ATM protein (p.Gly1302Val).